The following is an entry in ClinVar:

NM_003482.4(KMT2D):c.13616del (p.Leu4539fs)

Gene: KMT2D (lysine methyltransferase 2D; minus strand). Cytogenetic location: 12q13.12.
Variant type: Deletion.
Coding change: c.13616del on transcript NM_003482.4 (MANE Select); coding-DNA position 13616, one base deleted (T; older notation c.13616delT).
Protein change: p.Leu4539fs; shifts the reading frame from leucine 4539.
Molecular consequence: frameshift variant.
Genome position (GRCh38, 1-based): chr12:49,030,948, A deleted on the plus strand (T on the coding strand, the reverse complement: KMT2D is on the minus strand). VCF-style (leftmost placement, unchanged base first): chr12-49030947-CA-C. GRCh37 (hg19) VCF-style: chr12-49424730-CA-C.
Other names: short protein forms L4539fs.
Identifiers: ClinVar variation 3721640 (VCV003721640.2).

ClinVar aggregate classification (germline): Pathogenic (1 of 4 stars; one submission).

Conditions:
Kabuki syndrome. Also called: NIIKAWA-KUROKI SYNDROME; Kabuki make-up syndrome. Identifiers: Orphanet 2322, MedGen C0796004, MONDO:0016512.

Submission:

Labcorp Genetics (formerly Invitae), Labcorp
Classification: Pathogenic for Kabuki syndrome. Last evaluated: 2024-09-27. Review status: criteria provided, single submitter. Criteria: Invitae Variant Classification Sherloc (09022015). Collection method: clinical testing. Allele origin: germline.
Comment: This sequence change creates a premature translational stop signal (p.Leu4539Argfs*14) in the KMT2D gene. It is expected to result in an absent or disrupted protein product. Loss-of-function variants in KMT2D are known to be pathogenic (PMID: 22126750). This variant is not present in population databases (gnomAD no frequency). This variant has not been reported in the literature in individuals affected with KMT2D-related conditions. For these reasons, this variant has been classified as Pathogenic.

Literature cited by the submitters: PubMed 22126750.